The following is an entry in ClinVar:

ClinVar aggregate classification (germline): Uncertain significance (1 of 4 stars; one submission).

Conditions:
Cardiomyopathy (CMYO). Also called: Cardiomyopathies. Identifiers: Orphanet 167848, MedGen C0878544, MONDO:0004994, HP:0001638. Inheritance: Various modes of inheritance.

Allele frequency attached by ClinVar (database versions not stated): gnomAD exomes below 0.00001.
gnomAD v4.1: 1 of 1,614,158 alleles (0.000062%); no homozygotes.

Submission:

Color Diagnostics, LLC DBA Color Health
Classification: Uncertain significance for Cardiomyopathy. Last evaluated: 2024-03-06. Review status: criteria provided, single submitter. Criteria: ACMG Guidelines, 2015. Collection method: clinical testing. Allele origin: germline.
Comment: This missense variant replaces threonine with alanine at codon 488 of the DSC2 protein. Computational prediction suggests that this variant may not impact protein structure and function (internally defined REVEL score threshold <= 0.5, PMID: 27666373). To our knowledge, functional studies have not been reported for this variant. This variant has not been reported in individuals affected with cardiovascular disorders in the literature. This variant has not been identified in the general population by the Genome Aggregation Database (gnomAD). The available evidence is insufficient to determine the role of this variant in disease conclusively. Therefore, this variant is classified as a Variant of Uncertain Significance.

NM_024422.6(DSC2):c.1462A>G (p.Thr488Ala)

Gene: DSC2 (desmocollin 2; minus strand). Cytogenetic location: 18q12.1.
Variant type: single nucleotide variant.
Coding change: c.1462A>G on transcript NM_024422.6 (MANE Select); coding-DNA position 1462, A replaced by G.
Protein change: p.Thr488Ala; replaces threonine 488 with alanine.
Molecular consequence: missense variant.
Genome position (GRCh38, 1-based): chr18:31,080,154, T>C on the plus strand (A>G on the coding strand, the complement: DSC2 is on the minus strand). VCF-style: chr18-31080154-T-C. GRCh37 (hg19) VCF-style: chr18-28660120-T-C.
Other names: c.1462A>G, p.Thr488Ala (NM_004949.5); short protein forms T488A.
Identifiers: ClinVar variation 1171644 (VCV001171644.3), dbSNP rs1987163518, ClinGen allele CA402108449.